The following is an entry in ClinVar:

NM_007118.4(TRIO):c.2941G>C (p.Asp981His)

Gene: TRIO (trio Rho guanine nucleotide exchange factor; plus strand). Cytogenetic location: 5p15.2.
Variant type: single nucleotide variant.
Coding change: c.2941G>C on transcript NM_007118.4 (MANE Select); coding-DNA position 2941, G replaced by C.
Protein change: p.Asp981His; replaces aspartic acid 981 with histidine.
Molecular consequence: missense variant. On other transcripts: non-coding transcript variant (1).
Genome position (GRCh38, 1-based): chr5:14,368,774, G>C. VCF-style: chr5-14368774-G-C. GRCh37 (hg19) VCF-style: chr5-14368883-G-C.
Other names: short protein forms D981H.
Identifiers: ClinVar variation 3361233 (VCV003361233.1).

ClinVar aggregate classification (germline): Uncertain significance (1 of 4 stars; one submission).

Submission:

GeneDx
Classification: Uncertain significance. Last evaluated: 2023-07-23. Review status: criteria provided, single submitter. Criteria: GeneDx Variant Classification Process June 2021. Collection method: clinical testing. Allele origin: germline. Affected: yes.
Comment: Not observed at significant frequency in large population cohorts (gnomAD); In silico analysis supports that this missense variant has a deleterious effect on protein structure/function; Has not been previously published as pathogenic or benign to our knowledge